The following is an entry in ClinVar:

NM_001370100.5(ZMYND11):c.1080G>C (p.Gly360=)

Gene: ZMYND11 (zinc finger MYND-type containing 11; plus strand). Cytogenetic location: 10p15.3.
Variant type: single nucleotide variant.
Coding change: c.1080G>C on transcript NM_001370100.5 (MANE Select); coding-DNA position 1080, G replaced by C.
Protein change: p.Gly360=; no amino-acid change (glycine 360 retained).
Molecular consequence: synonymous variant. On other transcripts: non-coding transcript variant (1).
Genome position (GRCh38, 1-based): chr10:246,895, G>C. VCF-style: chr10-246895-G-C. GRCh37 (hg19) VCF-style: chr10-292835-G-C.
Other names: c.1080G>C, p.Gly360= (NM_001161482.1, NM_001202468.1, NM_001370097.3 and 6 more transcripts); c.918G>C, p.Gly306= (NM_001202464.3, NM_001202467.1, NM_001370103.2 and 6 more transcripts); c.825G>C, p.Gly275= (NM_001202465.3, NM_001370110.2); c.915G>C, p.Gly305= (NM_001202466.3, NM_001370111.2); c.1029G>C, p.Gly343= (NM_001330057.3, NM_001370112.2); c.987G>C, p.Gly329= (NM_001370113.2, NM_001370114.2); c.1077G>C, p.Gly359= (NM_001370115.2, NM_212479.4); c.1014G>C, p.Gly338= (NM_001370116.2); and 7 more.
Identifiers: ClinVar variation 3036673 (VCV003036673.2), dbSNP rs369700960, ClinGen allele CA5379152.

ClinVar aggregate classification (germline): Likely benign (0 of 4 stars; one submission).

Conditions:
ZMYND11-related disorder. Also called: ZMYND11-related condition.

Allele frequency attached by ClinVar (database versions not stated): TOPMed 0.00003; gnomAD 0.00005; ESP Exome Variant Server 0.00015.
gnomAD v4.1: 26 of 1,613,728 alleles (0.0016%); highest among the groups gnomAD compares: African/African-American, 0.004%; no homozygotes.

Submission:

PreventionGenetics, part of Exact Sciences
Classification: Likely benign for ZMYND11-related condition. Last evaluated: 2020-05-21. Review status: no assertion criteria provided. Collection method: clinical testing. Allele origin: germline.
Comment: This variant is classified as likely benign based on ACMG/AMP sequence variant interpretation guidelines (Richards et al. 2015 PMID: 25741868, with internal and published modifications).